The following is an entry in ClinVar:

NM_005732.4(RAD50):c.2227A>T (p.Lys743Ter)

Gene: RAD50 (RAD50 double strand break repair protein; plus strand). Cytogenetic location: 5q31.1.
Variant type: single nucleotide variant.
Coding change: c.2227A>T on transcript NM_005732.4 (MANE Select); coding-DNA position 2227, A replaced by T.
Protein change: p.Lys743Ter; replaces lysine 743 with a stop codon.
Molecular consequence: nonsense.
Genome position (GRCh38, 1-based): chr5:132,603,319, A>T. VCF-style: chr5-132603319-A-T. GRCh37 (hg19) VCF-style: chr5-131939011-A-T.
Other names: short protein forms K743*.
Identifiers: ClinVar variation 486251 (VCV000486251.5), dbSNP rs1554099081, ClinGen allele CA360953764.

ClinVar aggregate classification (germline): Pathogenic (1 of 4 stars; one submission).

Conditions:
Hereditary cancer-predisposing syndrome. Also called: Tumor predisposition; Hereditary Cancer Syndrome; Hereditary neoplastic syndrome; Neoplastic Syndromes, Hereditary. Identifiers: Orphanet 140162, MedGen C0027672, MeSH D009386, MONDO:0015356.

Submission:

Ambry Genetics
Classification: Pathogenic for Hereditary cancer-predisposing syndrome. Last evaluated: 2016-07-22. Review status: criteria provided, single submitter. Criteria: Ambry Variant Classification Scheme 2023. Collection method: clinical testing. Allele origin: germline.
Comment: The p.K743* variant (also known as c.2227A>T), located in coding exon 14 of the RAD50 gene, results from an A to T substitution at nucleotide position 2227. This changes the amino acid from a lysine to a stop codon within coding exon 14. This alteration is expected to result in loss of function by premature protein truncation or nonsense-mediated mRNA decay. As such, this alteration is interpreted as a disease-causing mutation.